The following is an entry in ClinVar:

NC_000010.10:g.(?_102510431)_(102510668_?)del

Gene: PAX2 (paired box 2; plus strand). Cytogenetic location: 10q24.31.
Variant type: Deletion.
Identifiers: ClinVar variation 1068209 (VCV001068209.7).

ClinVar aggregate classification (germline): Likely pathogenic (1 of 4 stars; one submission).

Conditions:
Renal coloboma syndrome (PAPRS). Also called: RENAL-COLOBOMA SYNDROME WITH MACULAR ABNORMALITIES; OPTIC COLOBOMA, VESICOURETERAL REFLUX, AND RENAL ANOMALIES; OPTIC NERVE COLOBOMA WITH RENAL DISEASE; CAKUT WITH OR WITHOUT OCULAR ABNORMALITIES; PAPILLORENAL SYNDROME; CONGENITAL ANOMALIES OF THE KIDNEY AND URINARY TRACT WITH OR WITHOUT OCULAR ABNORMALITIES. Identifiers: Orphanet 1475, MedGen C1852759, MONDO:0007352, OMIM 120330.
Focal segmental glomerulosclerosis 7 (FSGS7). Identifiers: Orphanet 656, MedGen C4014925, MONDO:0014451, OMIM 616002.

Submission:

Labcorp Genetics (formerly Invitae), Labcorp
Classification: Likely pathogenic for Renal coloboma syndrome; Focal segmental glomerulosclerosis 7. Last evaluated: 2020-09-17. Review status: criteria provided, single submitter. Criteria: Invitae Variant Classification Sherloc (09022015). Collection method: clinical testing. Allele origin: germline.
Comment: This variant is an in-frame deletion of the genomic region encompassing exon 3 of the PAX2 gene. It preserves the integrity of the reading frame. This variant has not been reported in the literature in individuals with PAX2-related conditions. Experimental studies and prediction algorithms are not available or were not evaluated, and the functional significance of this variant is currently unknown. This variant disrupts the p.Gly84Ser amino acid residue in PAX2. Other variant(s) that disrupt this residue have been determined to be pathogenic (PMID: 22213154). This suggests that this residue is clinically significant, and that variants that disrupt this residue are likely to be disease-causing. In summary, the currently available evidence indicates that the variant is pathogenic, but additional data are needed to prove that conclusively. Therefore, this variant has been classified as Likely Pathogenic.

Literature cited by the submitters: PubMed 22213154.